The following is an entry in ClinVar:

NM_016938.5(EFEMP2):c.184C>T (p.Pro62Ser)

Gene: EFEMP2 (EGF-like fibulin extracellular matrix protein 2; minus strand). Cytogenetic location: 11q13.1.
Variant type: single nucleotide variant.
Coding change: c.184C>T on transcript NM_016938.5 (MANE Select); coding-DNA position 184, C replaced by T.
Protein change: p.Pro62Ser; replaces proline 62 with serine.
Molecular consequence: missense variant. On other transcripts: non-coding transcript variant (1).
Genome position (GRCh38, 1-based): chr11:65,871,340, G>A on the plus strand (C>T on the coding strand, the complement: EFEMP2 is on the minus strand). VCF-style: chr11-65871340-G-A. GRCh37 (hg19) VCF-style: chr11-65638811-G-A.
Other names: short protein forms P62S.
Identifiers: ClinVar variation 4247052 (VCV004247052.1).

ClinVar aggregate classification (germline): Uncertain significance (1 of 4 stars; one submission).

Conditions:
Cardiovascular phenotype. Identifiers: MedGen CN230736.

gnomAD v4.1: 4 of 1,614,184 alleles (0.00025%); highest among the groups gnomAD compares: Non-Finnish European, 0.00034%; no homozygotes.

Submission:

Ambry Genetics
Classification: Uncertain significance for Cardiovascular phenotype. Last evaluated: 2025-07-03. Review status: criteria provided, single submitter. Criteria: Ambry Variant Classification Scheme 2023. Collection method: clinical testing. Allele origin: germline.
Comment: The p.P62S variant (also known as c.184C>T), located in coding exon 3 of the EFEMP2 gene, results from a C to T substitution at nucleotide position 184. The proline at codon 62 is replaced by serine, an amino acid with similar properties. This amino acid position is well conserved in available vertebrate species. In addition, the in silico prediction for this alteration is inconclusive. Based on the available evidence, the clinical significance of this variant remains unclear.